The following is an entry in ClinVar:

NM_000051.4(ATM):c.4270G>T (p.Glu1424Ter)

Gene: ATM (ATM serine/threonine kinase; plus strand). Cytogenetic location: 11q22.3.
Variant type: single nucleotide variant.
Coding change: c.4270G>T on transcript NM_000051.4 (MANE Select); coding-DNA position 4270, G replaced by T.
Protein change: p.Glu1424Ter; replaces glutamic acid 1424 with a stop codon.
Molecular consequence: nonsense.
Genome position (GRCh38, 1-based): chr11:108,289,635, G>T. VCF-style: chr11-108289635-G-T. GRCh37 (hg19) VCF-style: chr11-108160362-G-T.
Other names: c.4270G>T, p.Glu1424Ter (NM_001351834.2); short protein forms E1424*.
Identifiers: ClinVar variation 2812144 (VCV002812144.3), dbSNP rs2546908787, ClinGen allele CA382531252.

ClinVar aggregate classification (germline): Pathogenic (1 of 4 stars; one submission).

Conditions:
Ataxia-telangiectasia syndrome (AT). Also called: Ataxia-telangiectasia, complementation group E; ATAXIA-TELANGIECTASIA, COMPLEMENTATION GROUP A; ATAXIA-TELANGIECTASIA, FRESNO VARIANT; Ataxia-telangiectasia; LOUIS-BAR SYNDROME; Ataxia-telangiectasia, complementation group D. Identifiers: Orphanet 100, MedGen C0004135, MONDO:0008840, OMIM 208900.

Submission:

Labcorp Genetics (formerly Invitae), Labcorp
Classification: Pathogenic for Ataxia-telangiectasia syndrome. Last evaluated: 2022-11-29. Review status: criteria provided, single submitter. Criteria: Invitae Variant Classification Sherloc (09022015). Collection method: clinical testing. Allele origin: germline.
Comment: For these reasons, this variant has been classified as Pathogenic. This variant has not been reported in the literature in individuals affected with ATM-related conditions. This variant is not present in population databases (gnomAD no frequency). This sequence change creates a premature translational stop signal (p.Glu1424*) in the ATM gene. It is expected to result in an absent or disrupted protein product. Loss-of-function variants in ATM are known to be pathogenic (PMID: 23807571, 25614872).

Literature cited by the submitters: PubMed 23807571; PubMed 25614872.